The following is an entry in ClinVar:

NM_006231.4(POLE):c.1645T>C (p.Ser549Pro)

Gene: POLE (DNA polymerase epsilon, catalytic subunit; minus strand). Cytogenetic location: 12q24.33.
Variant type: single nucleotide variant.
Coding change: c.1645T>C on transcript NM_006231.4 (MANE Select); coding-DNA position 1645, T replaced by C.
Protein change: p.Ser549Pro; replaces serine 549 with proline.
Molecular consequence: missense variant.
Genome position (GRCh38, 1-based): chr12:132,672,668, A>G on the plus strand (T>C on the coding strand, the complement: POLE is on the minus strand). VCF-style: chr12-132672668-A-G. GRCh37 (hg19) VCF-style: chr12-133249254-A-G.
Other names: short protein forms S549P.
Identifiers: ClinVar variation 405774 (VCV000405774.32), dbSNP rs115558715, ClinGen allele CA6893895.
Genomic context (GRCh38, chr12:132,672,668, plus strand): 5'-TCCCAGGGAAGAAGCACACCATCCTAAACCGGCAAGGGATATCGCTGCGGAAAACCCCAG[A>G]CTCGAGGGCCTCCACGTGGCCCCCGACGTAGGTCTCAGAGTCCAGCACGTGTCCGTCGTC-3'
Protein context (NP_006222.2, residues 539-559): YVGGHVEALE[Ser549Pro]GVFRSDIPCR

ClinVar aggregate classification (germline): Conflicting classifications of pathogenicity. Review status: criteria provided, conflicting classifications (1 of 4 stars). 8 submissions from 8 submitters: Uncertain significance (6); Likely benign (2). Last evaluated 2026-02-20.

Conditions:
Familial colorectal cancer. Identifiers: MedGen CN280943, MONDO:0023113. Disease mechanism: loss of function.
Colorectal cancer, susceptibility to, 12 (CRCS12). Also called: COLORECTAL CANCER, SUSCEPTIBILITY TO, ON CHROMOSOME 12q24. Identifiers: Orphanet 220460, MedGen C3554460, MONDO:0014038, OMIM 615083.
Hereditary cancer-predisposing syndrome. Also called: Hereditary Cancer Syndrome; Hereditary neoplastic syndrome; Neoplastic Syndromes, Hereditary; Tumor predisposition. Identifiers: Orphanet 140162, MedGen C0027672, MeSH D009386, MONDO:0015356.

Allele frequency attached by ClinVar (database versions not stated): gnomAD exomes 0.00003 and 0.00007; ExAC 0.00010; gnomAD 0.00020 and 0.00021; TOPMed 0.00026; 1000 Genomes Project 30x 0.00062; 1000 Genomes Project 0.00080.
gnomAD v4.1: 77 of 1,613,814 alleles (0.0048%); highest among the groups gnomAD compares: African/African-American, 0.089%; no homozygotes.

Submissions (8):

St. Jude Molecular Pathology, St. Jude Children's Research Hospital
Classification: Uncertain significance for Colorectal cancer, susceptibility to, 12. Last evaluated: 2026-02-20. Review status: criteria provided, single submitter. Criteria: St. Jude Assertion Criteria 2020. Collection method: clinical testing. Allele origin: germline.
Comment: the POLE gene are associated with polymerase proofreading-associated polyposis which includes predisposition to colorectal adenomas and carcinomas (OMIM ID: 615083). Of note, all individuals diagnosed with POLE-a ssociated colorectal adenomas and carcinomas to date have had pathogenic missense variants affecting the exonuclease domain. Pathogenic variants affecting both copies of the POLE gene are associated with FILS syndrome (OMIM ID: 615139) and IMAGE-I syndro me (OMIM ID: 618336). The POLE c.1645T>C p.(Ser549Pro) missense change has a maximum subpopulation frequency of 0.085% in gnomAD v2.1.1. The in silico tool REVEL is inconclusive about a pathogenic or benign effect of t his variant on protein function, and to our knowledge functional studies have not been performed. To our knowledge, this variant has not been reported in the literature in individuals with POLE-related disease. In summary, the evidence currently availabl e is insufficient to determine the clinical significance of this variant. It has therefore been classified as of uncertain significance.

Labcorp Genetics (formerly Invitae), Labcorp
Classification: Likely benign. Last evaluated: 2026-01-26. Review status: criteria provided, single submitter. Criteria: Invitae Variant Classification Sherloc (09022015). Collection method: clinical testing. Allele origin: germline.

Women's Health and Genetics/Laboratory Corporation of America, LabCorp
Classification: Uncertain significance. Last evaluated: 2025-11-25. Review status: criteria provided, single submitter. Criteria: LabCorp Variant Classification Summary - May 2015. Collection method: clinical testing. Allele origin: germline.
Comment: Variant summary: POLE c.1645T>C (p.Ser549Pro) results in a non-conservative amino acid change in the encoded protein sequence. Algorithms developed to predict the effect of missense changes on protein structure and function are either unavailable or do not agree on the potential impact of this missense change. The variant allele was found at a frequency of 7.2e-05 in 250404 control chromosomes. This frequency is not significantly higher than estimated for disease-causing variants in POLE, allowing no conclusion about variant significance. c.1645T>C has been observed in individual(s) affected with breast cancer (de Oliveira_2022, Guindalini_2022). These report(s) do not provide unequivocal conclusions about association of the variant with Facial Dysmorphism, Immunodeficiency, Livedo, And Short Stature. To our knowledge, no experimental evidence demonstrating an impact on protein function has been reported. The following publications have been ascertained in the context of this evaluation (PMID: 35264596, 35534704). ClinVar contains an entry for this variant (Variation ID: 405774). Based on the evidence outlined above, the variant was classified as uncertain significance.

Revvity Omics, Revvity
Classification: Uncertain significance. Last evaluated: 2025-06-24. Review status: criteria provided, single submitter. Criteria: ACMG Guidelines, 2015. Collection method: clinical testing. Allele origin: germline.

GeneDx
Classification: Uncertain significance. Last evaluated: 2025-05-06. Review status: criteria provided, single submitter. Criteria: GeneDx Variant Classification Process June 2021. Collection method: clinical testing. Allele origin: germline. Affected: yes.
Comment: In silico analysis supports that this missense variant has a deleterious effect on protein structure/function; Observed in individuals colon or breast cancer (PMID: 25110875, 35264596); This variant is associated with the following publications: (PMID: Krishnan[Abstract], 20951805, 35264596, 25110875, 35534704)

Center for Genomic Medicine, Rigshospitalet, Copenhagen University Hospital
Classification: Uncertain significance. Last evaluated: 2025-03-04. Review status: criteria provided, single submitter. Criteria: ACMG Guidelines, 2015. Collection method: clinical testing. Allele origin: germline.

Ambry Genetics
Classification: Likely benign for Hereditary cancer-predisposing syndrome. Last evaluated: 2024-07-08. Review status: criteria provided, single submitter. Criteria: Ambry Variant Classification Scheme 2023. Collection method: clinical testing. Allele origin: germline.

Mendelics
Classification: Uncertain significance for Familial colorectal cancer. Last evaluated: 2018-07-02. Review status: criteria provided, single submitter. Criteria: Mendelics Assertion Criteria 2017. Collection method: clinical testing. Allele origin: unknown.

Literature cited by the submitters: PubMed 35264596 (cited by Women's Health and Genetics/Laboratory Corporation of America, LabCorp); PubMed 35534704 (cited by Women's Health and Genetics/Laboratory Corporation of America, LabCorp).